The following is an entry in ClinVar:

NM_006158.5(NEFL):c.616C>G (p.Arg206Gly)

Gene: NEFL (neurofilament light chain; minus strand). Cytogenetic location: 8p21.2.
Variant type: single nucleotide variant.
Coding change: c.616C>G on transcript NM_006158.5 (MANE Select); coding-DNA position 616, C replaced by G.
Protein change: p.Arg206Gly; replaces arginine 206 with glycine.
Molecular consequence: missense variant.
Genome position (GRCh38, 1-based): chr8:24,955,900, G>C on the plus strand (C>G on the coding strand, the complement: NEFL is on the minus strand). VCF-style: chr8-24955900-G-C. GRCh37 (hg19) VCF-style: chr8-24813414-G-C.
Other names: short protein forms R206G.
Identifiers: ClinVar variation 1309312 (VCV001309312.6), dbSNP rs771763817, ClinGen allele CA370622011.

ClinVar aggregate classification (germline): Uncertain significance. Review status: criteria provided, multiple submitters, no conflicts (2 of 4 stars). 2 submissions from 2 submitters: Uncertain significance (2). Last evaluated 2022-03-31.

Conditions:
Charcot-Marie-Tooth disease type 2E (CMT2E). Also called: CHARCOT-MARIE-TOOTH DISEASE, AXONAL, TYPE 2E; CHARCOT-MARIE-TOOTH NEUROPATHY, TYPE 2E. Identifiers: Orphanet 99939, MedGen C1843225, MONDO:0011894, OMIM 607684.

gnomAD v4.1: 5 of 1,605,636 alleles (0.00031%); highest among the groups gnomAD compares: Non-Finnish European, 0.00034%; no homozygotes.

Submissions (2):

Labcorp Genetics (formerly Invitae), Labcorp
Classification: Uncertain significance for Charcot-Marie-Tooth disease type 2E. Last evaluated: 2022-03-31. Review status: criteria provided, single submitter. Criteria: Invitae Variant Classification Sherloc (09022015). Collection method: clinical testing. Allele origin: germline.
Comment: This sequence change replaces arginine, which is basic and polar, with glycine, which is neutral and non-polar, at codon 206 of the NEFL protein (p.Arg206Gly). In summary, the available evidence is currently insufficient to determine the role of this variant in disease. Therefore, it has been classified as a Variant of Uncertain Significance. Experimental studies and prediction algorithms are not available or were not evaluated, and the functional significance of this variant is currently unknown. ClinVar contains an entry for this variant (Variation ID: 1309312). This variant has not been reported in the literature in individuals affected with NEFL-related conditions. This variant is present in population databases (no rsID available, gnomAD 0.01%).

GeneDx
Classification: Uncertain significance. Last evaluated: 2019-10-16. Review status: criteria provided, single submitter. Criteria: GeneDx Variant Classification Process June 2021. Collection method: clinical testing. Allele origin: germline. Affected: yes.
Comment: In silico analysis, which includes protein predictors and evolutionary conservation, supports a deleterious effect; Has not been previously published as pathogenic or benign to our knowledge